The following is an entry in ClinVar:

NM_003410.4(ZFX):c.620A>G (p.Asn207Ser)

Gene: ZFX (zinc finger protein X-linked; plus strand). Cytogenetic location: Xp22.11.
Variant type: single nucleotide variant.
Coding change: c.620A>G on transcript NM_003410.4 (MANE Select); coding-DNA position 620, A replaced by G.
Protein change: p.Asn207Ser; replaces asparagine 207 with serine.
Molecular consequence: missense variant. On other transcripts: intron variant (1).
Genome position (GRCh38, 1-based): chrX:24,179,744, A>G. VCF-style: chrX-24179744-A-G. GRCh37 (hg19) VCF-style: chrX-24197861-A-G.
Other names: c.620A>G, p.Asn207Ser (NM_001178084.2, NM_001178085.1, NM_001178095.2); c.737A>G, p.Asn246Ser (NM_001330327.2); c.-41-27582A>G (NM_001178086.2); short protein forms N207S, N246S.
Identifiers: ClinVar variation 4607756 (VCV004607756.1).

ClinVar aggregate classification (germline): Uncertain significance (1 of 4 stars; one submission).

gnomAD v4.1: 11 of 1,206,825 alleles (0.00091%); highest among the groups gnomAD compares: Admixed American, 0.013%; no homozygotes.

Submission:

Ambry Genetics
Classification: Uncertain significance. Last evaluated: 2025-10-02. Review status: criteria provided, single submitter. Criteria: Ambry Variant Classification Scheme 2023. Collection method: clinical testing. Allele origin: germline.
Comment: The c.620A>G (p.N207S) alteration is located in exon 6 (coding exon 2) of the ZFX gene. This alteration results from a A to G substitution at nucleotide position 620, causing the asparagine (N) at amino acid position 207 to be replaced by a serine (S). Based on data from gnomAD, the G allele has an overall frequency of 0.001% (2/177975) total alleles studied. The highest observed frequency was 0.005% (1/18737) of South Asian alleles. Based on insufficient or conflicting evidence, the clinical significance of this alteration remains unclear.